The following is an entry in ClinVar:

NM_001365951.3(KIF1B):c.4268G>C (p.Ser1423Thr)

Gene: KIF1B (kinesin family member 1B; plus strand). Cytogenetic location: 1p36.22.
Variant type: single nucleotide variant.
Coding change: c.4268G>C on transcript NM_001365951.3 (MANE Select); coding-DNA position 4268, G replaced by C.
Protein change: p.Ser1423Thr; replaces serine 1423 with threonine.
Molecular consequence: missense variant.
Genome position (GRCh38, 1-based): chr1:10,361,789, G>C. VCF-style: chr1-10361789-G-C. GRCh37 (hg19) VCF-style: chr1-10421847-G-C.
Other names: c.4268G>C, p.Ser1423Thr (NM_001365952.1); c.4130G>C, p.Ser1377Thr (NM_015074.3); short protein forms S1377T, S1423T.
Identifiers: ClinVar variation 4808819 (VCV004808819.1).
Genomic context (GRCh38, chr1:10,361,789, plus strand): 5'-ATGTGTGCATGGTCTTCTACTCCCGAGATGCCAAGATCTCACCACCACGCTCTCTGCGTA[G>C]CCTCTTTGGCAGCGGCTACTCAAAGTCACCAGATTCGTAAGTTTTTCACACAAGTTAGCT-3'
Protein context (NP_001352880.1, residues 1413-1433): AKISPPRSLR[Ser1423Thr]LFGSGYSKSP

ClinVar aggregate classification (germline): Uncertain significance (1 of 4 stars; one submission).

Conditions:
Charcot-Marie-Tooth disease type 2. Also called: Charcot-Marie-Tooth type 2. Identifiers: Orphanet 64746, MedGen C0270914, MONDO:0018993.

gnomAD v4.1: 1 of 1,614,132 alleles (0.000062%); highest among the groups gnomAD compares: Non-Finnish European, 0.000085%; no homozygotes.

Submission:

Labcorp Genetics (formerly Invitae), Labcorp
Classification: Uncertain significance for Charcot-Marie-Tooth disease type 2. Last evaluated: 2025-07-23. Review status: criteria provided, single submitter. Criteria: Invitae Variant Classification Sherloc (09022015). Collection method: clinical testing. Allele origin: germline.
Comment: This sequence change replaces serine, which is neutral and polar, with threonine, which is neutral and polar, at codon 1377 of the KIF1B protein (p.Ser1377Thr). This variant is not present in population databases (gnomAD no frequency). This variant has not been reported in the literature in individuals affected with KIF1B-related conditions. An algorithm developed to predict the effect of missense changes on protein structure and function (PolyPhen-2) suggests that this variant is likely to be tolerated. In summary, the available evidence is currently insufficient to determine the role of this variant in disease. Therefore, it has been classified as a Variant of Uncertain Significance.